The following is an entry in ClinVar:

NM_004525.3(LRP2):c.3421A>C (p.Lys1141Gln)

Gene: LRP2 (LDL receptor related protein 2; minus strand). Cytogenetic location: 2q31.1.
Variant type: single nucleotide variant.
Coding change: c.3421A>C on transcript NM_004525.3 (MANE Select); coding-DNA position 3421, A replaced by C.
Protein change: p.Lys1141Gln; replaces lysine 1141 with glutamine.
Molecular consequence: missense variant.
Genome position (GRCh38, 1-based): chr2:169,244,702, T>G on the plus strand (A>C on the coding strand, the complement: LRP2 is on the minus strand). VCF-style: chr2-169244702-T-G. GRCh37 (hg19) VCF-style: chr2-170101212-T-G.
Other names: short protein forms K1141Q.
Identifiers: ClinVar variation 2065533 (VCV002065533.1), dbSNP rs1689938293, ClinGen allele CA349151062.

ClinVar aggregate classification (germline): Uncertain significance (1 of 4 stars; one submission).

Allele frequency attached by ClinVar (database versions not stated): gnomAD exomes 0.00001.
gnomAD v4.1: 21 of 1,614,230 alleles (0.0013%); highest among the groups gnomAD compares: Non-Finnish European, 0.0017%; no homozygotes.

Submission:

Labcorp Genetics (formerly Invitae), Labcorp
Classification: Uncertain significance. Last evaluated: 2021-12-29. Review status: criteria provided, single submitter. Criteria: Invitae Variant Classification Sherloc (09022015). Collection method: clinical testing. Allele origin: germline.
Comment: This sequence change replaces lysine, which is basic and polar, with glutamine, which is neutral and polar, at codon 1141 of the LRP2 protein (p.Lys1141Gln). This variant is not present in population databases (gnomAD no frequency). This variant has not been reported in the literature in individuals affected with LRP2-related conditions. Algorithms developed to predict the effect of missense changes on protein structure and function (SIFT, PolyPhen-2, Align-GVGD) all suggest that this variant is likely to be tolerated. In summary, the available evidence is currently insufficient to determine the role of this variant in disease. Therefore, it has been classified as a Variant of Uncertain Significance.